The following is an entry in ClinVar:

NM_003839.4(TNFRSF11A):c.1225T>G (p.Cys409Gly)

Gene: TNFRSF11A (TNF receptor superfamily member 11a; plus strand). Cytogenetic location: 18q21.33.
Variant type: single nucleotide variant.
Coding change: c.1225T>G on transcript NM_003839.4 (MANE Select); coding-DNA position 1225, T replaced by G.
Protein change: p.Cys409Gly; replaces cysteine 409 with glycine.
Molecular consequence: missense variant. On other transcripts: intron variant (3).
Genome position (GRCh38, 1-based): chr18:62,369,142, T>G. VCF-style: chr18-62369142-T-G. GRCh37 (hg19) VCF-style: chr18-60036375-T-G.
Other names: c.1183T>G, p.Cys395Gly (NM_001278268.2); c.783+2382T>G (NM_001270949.2); c.730+7349T>G (NM_001270950.2); c.616+9093T>G (NM_001270951.2); short protein forms C409G, C395G.
Identifiers: ClinVar variation 1488125 (VCV001488125.8), dbSNP rs2145356437, ClinGen allele CA402617516.

ClinVar aggregate classification (germline): Uncertain significance (1 of 4 stars; one submission).

Submission:

Labcorp Genetics (formerly Invitae), Labcorp
Classification: Uncertain significance. Last evaluated: 2021-03-31. Review status: criteria provided, single submitter. Criteria: Invitae Variant Classification Sherloc (09022015). Collection method: clinical testing. Allele origin: germline.
Comment: In summary, the available evidence is currently insufficient to determine the role of this variant in disease. Therefore, it has been classified as a Variant of Uncertain Significance. Algorithms developed to predict the effect of missense changes on protein structure and function output the following: SIFT: "Tolerated"; PolyPhen-2: "Benign"; Align-GVGD: "Class C0". The glycine amino acid residue is found in multiple mammalian species, suggesting that this missense change does not adversely affect protein function. These predictions have not been confirmed by published functional studies and their clinical significance is uncertain. This variant has not been reported in the literature in individuals with TNFRSF11A-related conditions. This variant is not present in population databases (ExAC no frequency). This sequence change replaces cysteine with glycine at codon 409 of the TNFRSF11A protein (p.Cys409Gly). The cysteine residue is weakly conserved and there is a large physicochemical difference between cysteine and glycine.